The following is an entry in ClinVar:

ClinVar aggregate classification (germline): Conflicting classifications of pathogenicity. Review status: criteria provided, conflicting classifications (1 of 4 stars). 3 submissions from 3 submitters: Uncertain significance (1); Likely benign (1). 1 of the submissions does not count toward it. Last evaluated 2025-07-02.

Conditions:
Hereditary cancer-predisposing syndrome. Also called: Hereditary Cancer Syndrome; Tumor predisposition; Hereditary neoplastic syndrome; Neoplastic Syndromes, Hereditary. Identifiers: Orphanet 140162, MedGen C0027672, MeSH D009386, MONDO:0015356.
Polymerase proofreading-related adenomatous polyposis. Also called: Polymerase proofreading associated polyposis; Polymerase proofreading–associated polyposis (PPAP). Identifiers: Orphanet 447877, MedGen C5202613, MONDO:0018653.

Submissions (3):

Labcorp Genetics (formerly Invitae), Labcorp
Classification: Uncertain significance. Last evaluated: 2025-07-02. Review status: criteria provided, single submitter. Criteria: Invitae Variant Classification Sherloc (09022015). Collection method: clinical testing. Allele origin: germline.
Comment: This sequence change replaces alanine, which is neutral and non-polar, with proline, which is neutral and non-polar, at codon 15 of the POLE protein (p.Ala15Pro). This variant is not present in population databases (gnomAD no frequency). This variant has not been reported in the literature in individuals affected with POLE-related conditions. ClinVar contains an entry for this variant (Variation ID: 645544). An algorithm developed to predict the effect of missense changes on protein structure and function outputs the following: PolyPhen-2: "Benign". The proline amino acid residue is found in multiple mammalian species, which suggests that this missense change does not adversely affect protein function. In summary, the available evidence is currently insufficient to determine the role of this variant in disease. Therefore, it has been classified as a Variant of Uncertain Significance.

Ambry Genetics
Classification: Likely benign for Hereditary cancer-predisposing syndrome. Last evaluated: 2025-06-18. Review status: criteria provided, single submitter. Criteria: Ambry Variant Classification Scheme 2023. Collection method: clinical testing. Allele origin: germline.

Department of Pathology and Laboratory Medicine, Sinai Health System
Classification: Uncertain significance for Polymerase proofreading-related adenomatous polyposis. Review status: no assertion criteria provided. Collection method: clinical testing. Allele origin: unknown. Affected: yes. Study: The Canadian Open Genetics Repository (COGR). Not counted in ClinVar's aggregate classification.
Comment: The POLE p.Ala15Pro variant was not identified in the literature nor was it identified in the dbSNP and ClinVar databases. The variant was not identified in the following control databases: the Exome Aggregation Consortium (August 8th 2016), or the Genome Aggregation Database (Feb 27, 2017). The p.Ala15 residue is conserved in mammals and computational analyses (PolyPhen-2, SIFT, AlignGVGD, BLOSUM, MutationTaster) provide inconsistent predictions regarding the impact of the variant to the protein; this information is not very predictive of pathogenicity. The variant occurs outside of the splicing consensus sequence and 1 of 4 in silico or computational prediction software programs (SpliceSiteFinder, MaxEntScan, NNSPLICE, GeneSplicer) predict a greater than 10% difference in splicing; this is not very predictive of pathogenicity. In summary, based on the above information the clinical significance of this variant cannot be determined with certainty at this time. This variant is classified as a variant of uncertain significance.

NM_006231.4(POLE):c.43G>C (p.Ala15Pro)

Genes: POLE (DNA polymerase epsilon, catalytic subunit; minus strand), LOC130009266 (ATAC-STARR-seq lymphoblastoid silent region 5123; plus strand). Cytogenetic location: 12q24.33.
Variant type: single nucleotide variant.
Coding change: c.43G>C on transcript NM_006231.4 (MANE Select); coding-DNA position 43, G replaced by C.
Protein change: p.Ala15Pro; replaces alanine 15 with proline.
Molecular consequence: missense variant.
Genome position (GRCh38, 1-based): chr12:132,687,273, C>G on the plus strand (G>C on the coding strand, the complement: POLE is on the minus strand). VCF-style: chr12-132687273-C-G. GRCh37 (hg19) VCF-style: chr12-133263859-C-G.
Other names: short protein forms A15P.
Identifiers: ClinVar variation 645544 (VCV000645544.15), dbSNP rs1060500788, ClinGen allele CA387373378.